The following is an entry in ClinVar:

ClinVar aggregate classification (germline): Likely pathogenic (1 of 4 stars; one submission).

Submission:

Labcorp Genetics (formerly Invitae), Labcorp
Classification: Likely pathogenic. Last evaluated: 2021-03-03. Review status: criteria provided, single submitter. Criteria: Invitae Variant Classification Sherloc (09022015). Collection method: clinical testing. Allele origin: germline.
Comment: In summary, the currently available evidence indicates that the variant is pathogenic, but additional data are needed to prove that conclusively. Therefore, this variant has been classified as Likely Pathogenic. Advanced modeling of protein sequence and biophysical properties (such as structural, functional, and spatial information, amino acid conservation, physicochemical variation, residue mobility, and thermodynamic stability) performed at Invitae indicates that this missense variant is expected to disrupt ABCA4 protein function. This variant has been observed in individual(s) with Stargardt disease (Invitae). In at least one individual the data is consistent with the variant being in trans (on the opposite chromosome) from a pathogenic variant. This variant is not present in population databases (ExAC no frequency). This sequence change replaces valine with methionine at codon 1955 of the ABCA4 protein (p.Val1955Met). The valine residue is highly conserved and there is a small physicochemical difference between valine and methionine.

NM_000350.3(ABCA4):c.5863G>A (p.Val1955Met)

Gene: ABCA4 (ATP binding cassette subfamily A member 4; minus strand). Cytogenetic location: 1p22.1.
Variant type: single nucleotide variant.
Coding change: c.5863G>A on transcript NM_000350.3 (MANE Select); coding-DNA position 5863, G replaced by A.
Protein change: p.Val1955Met; replaces valine 1955 with methionine.
Molecular consequence: missense variant.
Genome position (GRCh38, 1-based): chr1:94,008,270, C>T on the plus strand (G>A on the coding strand, the complement: ABCA4 is on the minus strand). VCF-style: chr1-94008270-C-T. GRCh37 (hg19) VCF-style: chr1-94473826-C-T.
Other names: c.5641G>A, p.Val1881Met (NM_001425324.1); short protein forms V1955M, V1881M.
Identifiers: ClinVar variation 1511031 (VCV001511031.8), dbSNP rs2101004195, ClinGen allele CA341279927.